The following is an entry in ClinVar:

ClinVar aggregate classification (germline): Likely benign (1 of 4 stars; one submission).

gnomAD v4.1: 947 of 1,613,522 alleles (0.059%); highest among the groups gnomAD compares: African/African-American, 1.1%; 6 homozygotes.

Submission:

CeGaT Center for Human Genetics Tuebingen
Classification: Likely benign. Last evaluated: 2026-01-01. Review status: criteria provided, single submitter. Criteria: CeGaT Center For Human Genetics Tuebingen Variant Classification Criteria Version 2. Collection method: clinical testing. Allele origin: germline. Affected: yes. Observed: 1 variant allele.
Comment: GPRC5B: BP4, BP7, BS1

NM_016235.3(GPRC5B):c.438C>T (p.Arg146=)

Gene: GPRC5B (G protein-coupled receptor class C group 5 member B; minus strand). Cytogenetic location: 16p12.3.
Variant type: single nucleotide variant.
Coding change: c.438C>T on transcript NM_016235.3 (MANE Select); coding-DNA position 438, C replaced by T.
Protein change: p.Arg146=; no amino-acid change (arginine 146 retained).
Molecular consequence: synonymous variant.
Genome position (GRCh38, 1-based): chr16:19,872,408, G>A on the plus strand (C>T on the coding strand, the complement: GPRC5B is on the minus strand). VCF-style: chr16-19872408-G-A. GRCh37 (hg19) VCF-style: chr16-19883730-G-A.
Other names: c.831C>T, p.Arg277= (NM_001304771.1).
Identifiers: ClinVar variation 4820931 (VCV004820931.4).